The following is an entry in ClinVar:

NM_000271.5(NPC1):c.1007G>A (p.Arg336Lys)

Gene: NPC1 (NPC intracellular cholesterol transporter 1; minus strand). Cytogenetic location: 18q11.2.
Variant type: single nucleotide variant.
Coding change: c.1007G>A on transcript NM_000271.5 (MANE Select); coding-DNA position 1007, G replaced by A.
Protein change: p.Arg336Lys; replaces arginine 336 with lysine.
Molecular consequence: missense variant.
Genome position (GRCh38, 1-based): chr18:23,556,562, C>T on the plus strand (G>A on the coding strand, the complement: NPC1 is on the minus strand). VCF-style: chr18-23556562-C-T. GRCh37 (hg19) VCF-style: chr18-21136526-C-T.
Other names: c.1007G>A (NM_000271.4); short protein forms R336K.
Identifiers: ClinVar variation 1352044 (VCV001352044.6), dbSNP rs2058955195, ClinGen allele CA401778917.

ClinVar aggregate classification (germline): Uncertain significance. Review status: criteria provided, multiple submitters, no conflicts (2 of 4 stars). 2 submissions from 2 submitters: Uncertain significance (2). Last evaluated 2025-06-13.

Conditions:
NPC1-related disorder. Also called: NPC1-related condition.
Niemann-Pick disease, type C1. Also called: NIEMANN-PICK DISEASE, VARIANT TYPE C1; NEUROVISCERAL STORAGE DISEASE WITH VERTICAL SUPRANUCLEAR OPHTHALMOPLEGIA; NIEMANN-PICK DISEASE WITH CHOLESTEROL ESTERIFICATION BLOCK; NIEMANN-PICK DISEASE WITHOUT SPHINGOMYELINASE DEFICIENCY; NIEMANN-PICK DISEASE, CHRONIC NEURONOPATHIC FORM. Identifiers: Orphanet 646, MedGen C3179455, MONDO:0009757, OMIM 257220.

Allele frequency attached by ClinVar (database versions not stated): gnomAD exomes below 0.00001; gnomAD 0.00001; TOPMed 0.00001.
gnomAD v4.1: 7 of 1,614,022 alleles (0.00043%); highest among the groups gnomAD compares: Admixed American, 0.012%; no homozygotes.

Submissions (2):

PreventionGenetics, part of Exact Sciences
Classification: Uncertain significance for NPC1-related condition. Last evaluated: 2025-06-13. Review status: criteria provided, single submitter. Criteria: ACMG Guidelines, 2015. Collection method: clinical testing. Allele origin: germline.
Comment: The NPC1 c.1007G>A variant is predicted to result in the amino acid substitution p.Arg336Lys. To our knowledge, this variant has not been reported in the literature or in a large population database (gnomAD), indicating this variant is rare. At this time, the clinical significance of this variant is uncertain due to the absence of conclusive functional and genetic evidence.

Labcorp Genetics (formerly Invitae), Labcorp
Classification: Uncertain significance for Niemann-Pick disease, type C1. Last evaluated: 2021-10-14. Review status: criteria provided, single submitter. Criteria: Invitae Variant Classification Sherloc (09022015). Collection method: clinical testing. Allele origin: germline.
Comment: This sequence change replaces arginine with lysine at codon 336 of the NPC1 protein (p.Arg336Lys). The arginine residue is moderately conserved and there is a small physicochemical difference between arginine and lysine. This variant is not present in population databases (ExAC no frequency). This variant has not been reported in the literature in individuals affected with NPC1-related conditions. Advanced modeling of protein sequence and biophysical properties (such as structural, functional, and spatial information, amino acid conservation, physicochemical variation, residue mobility, and thermodynamic stability) performed at Invitae indicates that this missense variant is not expected to disrupt NPC1 protein function. In summary, the available evidence is currently insufficient to determine the role of this variant in disease. Therefore, it has been classified as a Variant of Uncertain Significance.